The following is an entry in ClinVar:

ClinVar aggregate classification (germline): Benign. Review status: criteria provided, multiple submitters, no conflicts (2 of 4 stars). 4 submissions from 4 submitters: Benign (4). Last evaluated 2025-04-09.

Allele frequency attached by ClinVar (database versions not stated): gnomAD 0.02627 and 0.02649; ExAC 0.02666; ESP Exome Variant Server 0.02713; 1000 Genomes Project 30x 0.01640; 1000 Genomes Project 0.01637; TOPMed 0.02629; gnomAD exomes 0.02697 and 0.03440.
gnomAD v4.1: 54,111 of 1,613,926 alleles (3.4%); highest among the groups gnomAD compares: Middle Eastern, 7%; 1,060 homozygotes.

Submissions (4):

Molecular Diagnostic Laboratory for Inherited Cardiovascular Disease, Montreal Heart Institute
Classification: Benign. Last evaluated: 2025-04-09. Review status: criteria provided, single submitter. Criteria: ACMG Guidelines, 2015. Collection method: clinical testing. Allele origin: germline. Affected: no.

Mayo Clinic Laboratories, Mayo Clinic
Classification: Benign. Last evaluated: 2023-02-03. Review status: criteria provided, single submitter. Criteria: ACMG Guidelines, 2015. Collection method: clinical testing. Allele origin: germline. Observed: 34 variant alleles.
Comment: BS1, BS2, BP4, BP7

GeneDx
Classification: Benign. Last evaluated: 2018-09-24. Review status: criteria provided, single submitter. Criteria: GeneDx Variant Classification Process June 2021. Collection method: clinical testing. Allele origin: germline. Affected: yes.

Breakthrough Genomics
Classification: Benign. Review status: criteria provided, single submitter. Criteria: ACMG Guidelines, 2015. Collection method: not provided. Allele origin: germline. Inheritance: Autosomal recessive inheritance. Affected: yes.

NM_016194.4(GNB5):c.567G>A (p.Lys189=)

Gene: GNB5 (G protein subunit beta 5; minus strand). Cytogenetic location: 15q21.2.
Variant type: single nucleotide variant.
Coding change: c.567G>A on transcript NM_016194.4 (MANE Select); coding-DNA position 567, G replaced by A.
Protein change: p.Lys189=; no amino-acid change (lysine 189 retained).
Molecular consequence: synonymous variant.
Genome position (GRCh38, 1-based): chr15:52,141,200, C>T on the plus strand (G>A on the coding strand, the complement: GNB5 is on the minus strand). VCF-style: chr15-52141200-C-T. GRCh37 (hg19) VCF-style: chr15-52433397-C-T.
Other names: p.Lys189=; c.285G>A, p.Lys95= (NM_001379343.1); c.441G>A, p.Lys147= (NM_006578.4).
Identifiers: ClinVar variation 1273642 (VCV001273642.4), dbSNP rs17612637, ClinGen allele CA7565754.